The following is an entry in ClinVar:

ClinVar aggregate classification (germline): Uncertain significance (1 of 4 stars; one submission).

Conditions:
Neuropathy, hereditary sensory and autonomic, type 2A (HSAN2A). Also called: HSAN IIA; WNK1-Related HSAN2 (HSAN2A); ACROOSTEOLYSIS, GIACCAI TYPE; ACROOSTEOLYSIS, NEUROGENIC; MORVAN DISEASE; NEUROPATHY, CONGENITAL SENSORY. Identifiers: Orphanet 970, MedGen C2752089, MONDO:0024309, OMIM 201300.
Pseudohypoaldosteronism type 2C (PHA2C). Also called: Pseudohypoaldosteronism Type IIC. Identifiers: Orphanet 757, Orphanet 88940, MedGen C1840391, MONDO:0013778, OMIM 614492.

Allele frequency attached by ClinVar (database versions not stated): gnomAD 0.00001.
gnomAD v4.1: 1 of 1,614,054 alleles (0.000062%); highest among the groups gnomAD compares: East Asian, 0.0022%; no homozygotes.

Submission:

Labcorp Genetics (formerly Invitae), Labcorp
Classification: Uncertain significance for Neuropathy, hereditary sensory and autonomic, type 2A; Pseudohypoaldosteronism type 2C. Last evaluated: 2023-07-26. Review status: criteria provided, single submitter. Criteria: Invitae Variant Classification Sherloc (09022015). Collection method: clinical testing. Allele origin: germline.
Comment: In summary, the available evidence is currently insufficient to determine the role of this variant in disease. Therefore, it has been classified as a Variant of Uncertain Significance. This sequence change replaces threonine, which is neutral and polar, with isoleucine, which is neutral and non-polar, at codon 1581 of the WNK1 protein (p.Thr1581Ile). The frequency data for this variant in the population databases is considered unreliable, as metrics indicate poor data quality at this position in the gnomAD database. This variant has not been reported in the literature in individuals affected with WNK1-related conditions. Advanced modeling of protein sequence and biophysical properties (such as structural, functional, and spatial information, amino acid conservation, physicochemical variation, residue mobility, and thermodynamic stability) performed at Invitae indicates that this missense variant is not expected to disrupt WNK1 protein function.

NM_018979.4(WNK1):c.3986C>T (p.Thr1329Ile)

Gene: WNK1 (WNK lysine deficient protein kinase 1; plus strand). Cytogenetic location: 12p13.33.
Variant type: single nucleotide variant.
Coding change: c.3986C>T on transcript NM_018979.4 (MANE Select); coding-DNA position 3986, C replaced by T.
Protein change: p.Thr1329Ile; replaces threonine 1329 with isoleucine.
Molecular consequence: missense variant.
Genome position (GRCh38, 1-based): chr12:884,790, C>T. VCF-style: chr12-884790-C-T. GRCh37 (hg19) VCF-style: chr12-993956-C-T.
Other names: c.4766C>T, p.Thr1589Ile (NM_001184985.2); c.3245C>T, p.Thr1082Ile (NM_014823.3); c.4742C>T, p.Thr1581Ile (NM_213655.5); short protein forms T1082I, T1329I, T1589I, T1581I.
Identifiers: ClinVar variation 2928615 (VCV002928615.3), dbSNP rs1490023753, ClinGen allele CA383330335.